The following is an entry in ClinVar:

NM_006904.7(PRKDC):c.5485T>C (p.Trp1829Arg)

Gene: PRKDC (protein kinase, DNA-activated, catalytic subunit; minus strand). Cytogenetic location: 8q11.21.
Variant type: single nucleotide variant.
Coding change: c.5485T>C on transcript NM_006904.7 (MANE Select); coding-DNA position 5485, T replaced by C.
Protein change: p.Trp1829Arg; replaces tryptophan 1829 with arginine.
Molecular consequence: missense variant.
Genome position (GRCh38, 1-based): chr8:47,864,642, A>G on the plus strand (T>C on the coding strand, the complement: PRKDC is on the minus strand). VCF-style: chr8-47864642-A-G. GRCh37 (hg19) VCF-style: chr8-48777203-A-G.
Other names: c.5485T>C, p.Trp1829Arg (NM_001081640.2); short protein forms W1829R.
Identifiers: ClinVar variation 4699366 (VCV004699366.1).
Genomic context (GRCh38, chr8:47,864,642, plus strand): 5'-CAATGGCATCCACCACAATTGTGCTGAAGAATTCTCTCAAAGCATCCAGGCTACAGTGCC[A>G]CAGCAGAGTGAGGAGGGAGCGGTCCACAAAGGACTGGCGTGTGAAACTTAGGCGGGGGTC-3'
Protein context (NP_008835.5, residues 1819-1839): FVDRSLLTLL[Trp1829Arg]HCSLDALREF

ClinVar aggregate classification (germline): Uncertain significance (1 of 4 stars; one submission).

Conditions:
Severe combined immunodeficiency due to DNA-PKcs deficiency. Also called: IMMUNODEFICIENCY 26 WITH NEUROLOGIC ABNORMALITIES; Immunodeficiency 26 with or without neurologic abnormalities. Identifiers: Orphanet 317425, MedGen C4014833, MONDO:0014423, OMIM 615966.

gnomAD v4.1: 3 of 1,609,412 alleles (0.00019%); highest among the groups gnomAD compares: African/African-American, 0.004%; no homozygotes.

Submission:

Labcorp Genetics (formerly Invitae), Labcorp
Classification: Uncertain significance for Severe combined immunodeficiency due to DNA-PKcs deficiency. Last evaluated: 2025-03-20. Review status: criteria provided, single submitter. Criteria: Invitae Variant Classification Sherloc (09022015). Collection method: clinical testing. Allele origin: germline.
Comment: This sequence change replaces tryptophan, which is neutral and slightly polar, with arginine, which is basic and polar, at codon 1829 of the PRKDC protein (p.Trp1829Arg). This variant is present in population databases (rs751520671, gnomAD 0.01%). This variant has not been reported in the literature in individuals affected with PRKDC-related conditions. Invitae Evidence Modeling of protein sequence and biophysical properties (such as structural, functional, and spatial information, amino acid conservation, physicochemical variation, residue mobility, and thermodynamic stability) indicates that this missense variant is not expected to disrupt PRKDC protein function with a negative predictive value of 80%. In summary, the available evidence is currently insufficient to determine the role of this variant in disease. Therefore, it has been classified as a Variant of Uncertain Significance.